The following is an entry in ClinVar:

ClinVar aggregate classification (germline): Uncertain significance (1 of 4 stars; one submission).

Allele frequency attached by ClinVar (database versions not stated): ExAC 0.00001; gnomAD 0.00001; gnomAD exomes 0.00001; 1000 Genomes Project 30x 0.00016; 1000 Genomes Project 0.00020.
gnomAD v4.1: 5 of 1,614,188 alleles (0.00031%); highest among the groups gnomAD compares: African/African-American, 0.004%; no homozygotes.

Submission:

Labcorp Genetics (formerly Invitae), Labcorp
Classification: Uncertain significance. Last evaluated: 2022-08-28. Review status: criteria provided, single submitter. Criteria: Invitae Variant Classification Sherloc (09022015). Collection method: clinical testing. Allele origin: germline.
Comment: This sequence change replaces tyrosine, which is neutral and polar, with cysteine, which is neutral and slightly polar, at codon 622 of the MYH3 protein (p.Tyr622Cys). In summary, the available evidence is currently insufficient to determine the role of this variant in disease. Therefore, it has been classified as a Variant of Uncertain Significance. Algorithms developed to predict the effect of missense changes on protein structure and function (SIFT, PolyPhen-2, Align-GVGD) all suggest that this variant is likely to be disruptive. This variant has not been reported in the literature in individuals affected with MYH3-related conditions. This variant is not present in population databases (gnomAD no frequency).

NM_002470.4(MYH3):c.1865A>G (p.Tyr622Cys)

Gene: MYH3 (myosin heavy chain 3; minus strand). Cytogenetic location: 17p13.1.
Variant type: single nucleotide variant.
Coding change: c.1865A>G on transcript NM_002470.4 (MANE Select); coding-DNA position 1865, A replaced by G.
Protein change: p.Tyr622Cys; replaces tyrosine 622 with cysteine.
Molecular consequence: missense variant.
Genome position (GRCh38, 1-based): chr17:10,642,440, T>C on the plus strand (A>G on the coding strand, the complement: MYH3 is on the minus strand). VCF-style: chr17-10642440-T-C. GRCh37 (hg19) VCF-style: chr17-10545757-T-C.
Other names: short protein forms Y622C.
Identifiers: ClinVar variation 1974050 (VCV001974050.5), dbSNP rs577286168, ClinGen allele CA8392932.